The following is an entry in ClinVar:

NC_000017.10:g.(?_80710070)_(80772830_?)del

Gene: TBCD (tubulin folding cofactor D). Cytogenetic location: 17q25.3.
Variant type: Deletion.
Identifiers: ClinVar variation 3243166 (VCV003243166.1).

ClinVar aggregate classification (germline): Pathogenic (1 of 4 stars; one submission).

Submission:

Labcorp Genetics (formerly Invitae), Labcorp
Classification: Pathogenic. Last evaluated: 2023-09-27. Review status: criteria provided, single submitter. Criteria: Invitae Variant Classification Sherloc (09022015). Collection method: clinical testing. Allele origin: unknown.
Comment: This variant is a gross deletion of the genomic region encompassing exon(s) 1-13 of the TBCD gene, which includes the initiator codon. This deletion extends beyond the assayed region for this gene and therefore may encompass additional genes. It is expected to result in an absent or disrupted protein product. Loss-of-function variants in TBCD are known to be pathogenic (PMID: 27666370, 27666374). This variant has not been reported in the literature in individuals affected with TBCD-related conditions. For these reasons, this variant has been classified as Pathogenic.

Literature cited by the submitters: PubMed 27666370; PubMed 27666374.